The following is an entry in ClinVar:

NM_014704.4(CEP104):c.1879G>T (p.Glu627Ter)

Genes: CEP104 (centrosomal protein 104; minus strand), LOC126805586 (CDK7 strongly-dependent group 2 enhancer GRCh37_chr1:3745882-3747081; plus strand). Cytogenetic location: 1p36.32.
Variant type: single nucleotide variant.
Coding change: c.1879G>T on transcript NM_014704.4 (MANE Select); coding-DNA position 1879, G replaced by T.
Protein change: p.Glu627Ter; replaces glutamic acid 627 with a stop codon.
Molecular consequence: nonsense.
Genome position (GRCh38, 1-based): chr1:3,829,955, C>A on the plus strand (G>T on the coding strand, the complement: CEP104 is on the minus strand). VCF-style: chr1-3829955-C-A. GRCh37 (hg19) VCF-style: chr1-3746519-C-A.
Other names: short protein forms E627*.
Identifiers: ClinVar variation 1691031 (VCV001691031.4), dbSNP rs750473230, ClinGen allele CA338038931.

ClinVar aggregate classification (germline): Pathogenic/Likely pathogenic. Review status: criteria provided, multiple submitters, no conflicts (2 of 4 stars). 2 submissions from 2 submitters: Pathogenic (1); Likely pathogenic (1). Last evaluated 2022-11-03.

Conditions:
Joubert syndrome 25 (JBTS25). Identifiers: Orphanet 475, MedGen C4084842, MONDO:0014770, OMIM 616781.

gnomAD v4.1: 1 of 1,614,172 alleles (0.000062%); highest among the groups gnomAD compares: African/African-American, 0.0013%; no homozygotes.

Submissions (2):

Dasa
Classification: Pathogenic for Joubert syndrome 25. Last evaluated: 2022-11-03. Review status: criteria provided, single submitter. Criteria: ACMG Guidelines, 2015. Collection method: clinical testing. Allele origin: germline. Affected: yes. Observed: 1 variant allele.
Comment: The c.1879G>T;p.(Glu627*) variant creates a premature translational stop signal in the CEP104 gene. It is expected to result in an absent or disrupted protein product - PVS1. ClinVar contains an entry for this variant (ClinVar ID: 1691031) - PS4_supporting. This variant is not present in population databases (rs750473230, gnomAD; ABraOM no frequency) - PM2. In summary, the currently available evidence indicates that the variant is pathogenic.

Laboratorio de Genetica e Diagnostico Molecular, Hospital Israelita Albert Einstein
Classification: Likely pathogenic. Last evaluated: 2021-03-28. Review status: criteria provided, single submitter. Criteria: ACMG Guidelines, 2015. Collection method: clinical testing. Allele origin: germline. Affected: yes.
Comment: ACMG classification criteria: PVS1, PM2